The following is an entry in ClinVar:

ClinVar aggregate classification (germline): Likely benign. Review status: criteria provided, multiple submitters, no conflicts (2 of 4 stars). 3 submissions from 3 submitters: Likely benign (3). Last evaluated 2025-05-30.

Conditions:
Tuberous sclerosis syndrome (TSC). Also called: Tuberous Sclerosis Complex; Tuberous sclerosis. Identifiers: Orphanet 805, MedGen C0041341, MONDO:0001734.
Tuberous sclerosis 2 (TSC2). Identifiers: Orphanet 805, MedGen C1860707, MONDO:0013199, OMIM 613254.

Submissions (3):

Myriad Genetics, Inc.
Classification: Likely benign for Tuberous sclerosis 2. Last evaluated: 2025-05-30. Review status: criteria provided, single submitter. Criteria: Myriad Autosomal Dominant, Autosomal Recessive and X-Linked Classification Criteria (2023). Collection method: clinical testing. Allele origin: unknown.
Comment: This variant is considered likely benign. This variant is intronic and is not expected to impact mRNA splicing.

Labcorp Genetics (formerly Invitae), Labcorp
Classification: Likely benign for Tuberous sclerosis 2. Last evaluated: 2024-09-28. Review status: criteria provided, single submitter. Criteria: Invitae Variant Classification Sherloc (09022015). Collection method: clinical testing. Allele origin: germline.

All of Us Research Program, National Institutes of Health
Classification: Likely benign for Tuberous sclerosis syndrome. Last evaluated: 2023-05-16. Review status: criteria provided, single submitter. Criteria: ACMG Guidelines, 2015. Collection method: clinical testing. Allele origin: germline. Inheritance: Autosomal dominant inheritance. Observed: 1 variant allele, 1 heterozygote.
Comment: This study involves interpretation of variants in research participants for the purpose of population health screening. Participant phenotype was not available at the time of variant classification. Additional details can be found in publication PMID: 35346344, PMCID: PMC8962531

NM_000548.5(TSC2):c.3815-14G>A

Gene: TSC2 (TSC complex subunit 2; plus strand). Cytogenetic location: 16p13.3.
Variant type: single nucleotide variant.
Coding change: c.3815-14G>A on transcript NM_000548.5 (MANE Select); 14 bases into the intron before coding-DNA position 3815, G replaced by A.
Molecular consequence: intron variant.
Genome position (GRCh38, 1-based): chr16:2,082,422, G>A. VCF-style: chr16-2082422-G-A. GRCh37 (hg19) VCF-style: chr16-2132423-G-A.
Other names: c.3814+624G>A (NM_001114382.3); c.3686-14G>A (NM_021055.3, NM_001370405.1); c.3685+624G>A (NM_001363528.2); c.3683-14G>A (NM_001370404.1); c.3682+624G>A (NM_001077183.3); c.3574+624G>A (NM_001318827.2); c.3083-14G>A (NM_001318831.2); c.3538+624G>A (NM_001318829.2); and 1 more.
Identifiers: ClinVar variation 2057224 (VCV002057224.6), dbSNP rs2151492084, ClinGen allele CA2580091043.